The following is an entry in ClinVar:

NM_000059.4(BRCA2):c.4440T>C (p.Tyr1480=)

Gene: BRCA2 (BRCA2 DNA repair associated; plus strand). Cytogenetic location: 13q13.1.
Variant type: single nucleotide variant.
Coding change: c.4440T>C on transcript NM_000059.4 (MANE Select); coding-DNA position 4440, T replaced by C.
Protein change: p.Tyr1480=; no amino-acid change (tyrosine 1480 retained).
Molecular consequence: synonymous variant.
Genome position (GRCh38, 1-based): chr13:32,338,795, T>C. VCF-style: chr13-32338795-T-C. GRCh37 (hg19) VCF-style: chr13-32912932-T-C.
Identifiers: ClinVar variation 390813 (VCV000390813.18), dbSNP rs397507719, ClinGen allele CA16606788.
Genomic context (GRCh38, chr13:32,338,795, plus strand): 5'-TTCCTTAAATTCTGAATTACATTCTGACATAAGAAAGAACAAAATGGACATTCTAAGTTA[T>C]GAGGAAACAGACATAGTTAAACACAAAATACTGAAAGAAAGTGTCCCAGTTGGTACTGGA-3'
Protein context (NP_000050.3, residues 1470-1490): IRKNKMDILS[Tyr1480=]EETDIVKHKI

ClinVar aggregate classification (germline): Likely benign. Review status: criteria provided, multiple submitters, no conflicts (2 of 4 stars). 3 submissions from 3 submitters: Likely benign (3). Last evaluated 2025-11-27.

Conditions:
Hereditary breast ovarian cancer syndrome. Also called: Hereditary breast and ovarian cancer syndrome; BRCA1- and BRCA2-Associated Hereditary Breast and Ovarian Cancer; Hereditary breast and ovarian cancer; Hereditary breast and/or ovarian cancer syndrome; Hereditary breast and ovarian cancer syndrome (HBOC); Breast and ovarian cancer. Identifiers: Orphanet 145, MedGen C0677776, MeSH D061325, MONDO:0003582. Disease mechanism: loss of function.
Hereditary cancer-predisposing syndrome. Also called: Hereditary Cancer Syndrome; Hereditary neoplastic syndrome; Neoplastic Syndromes, Hereditary; Tumor predisposition. Identifiers: Orphanet 140162, MedGen C0027672, MeSH D009386, MONDO:0015356.

Allele frequency attached by ClinVar (database versions not stated): gnomAD exomes below 0.00001 and 0.00001; TOPMed below 0.00001.
gnomAD v4.1: 4 of 1,613,136 alleles (0.00025%); highest among the groups gnomAD compares: Admixed American, 0.0033%; no homozygotes.

Submissions (3):

Labcorp Genetics (formerly Invitae), Labcorp
Classification: Likely benign for Hereditary breast ovarian cancer syndrome. Last evaluated: 2025-11-27. Review status: criteria provided, single submitter. Criteria: Invitae Variant Classification Sherloc (09022015). Collection method: clinical testing. Allele origin: germline.

GeneDx
Classification: Likely benign. Last evaluated: 2019-04-12. Review status: criteria provided, single submitter. Criteria: GeneDx Variant Classification Process June 2021. Collection method: clinical testing. Allele origin: germline. Affected: yes.
Comment: This variant is associated with the following publications: (PMID: 16760289)

Ambry Genetics
Classification: Likely benign for Hereditary cancer-predisposing syndrome. Last evaluated: 2017-03-31. Review status: criteria provided, single submitter. Criteria: Ambry Variant Classification Scheme 2023. Collection method: clinical testing. Allele origin: germline.